The following is an entry in ClinVar:

NM_133433.4(NIPBL):c.7462A>G (p.Asn2488Asp)

Gene: NIPBL (NIPBL cohesin loading factor; plus strand). Cytogenetic location: 5p13.2.
Variant type: single nucleotide variant.
Coding change: c.7462A>G on transcript NM_133433.4 (MANE Select); coding-DNA position 7462, A replaced by G.
Protein change: p.Asn2488Asp; replaces asparagine 2488 with aspartic acid.
Molecular consequence: missense variant.
Genome position (GRCh38, 1-based): chr5:37,058,942, A>G. VCF-style: chr5-37058942-A-G. GRCh37 (hg19) VCF-style: chr5-37059044-A-G.
Other names: c.7462A>G, p.Asn2488Asp (NM_015384.5); c.7462A>G (NM_133433.3); short protein forms N2488D.
Identifiers: ClinVar variation 2145774 (VCV002145774.29), dbSNP rs756243240, ClinGen allele CA3237210.

ClinVar aggregate classification (germline): Conflicting classifications of pathogenicity. Review status: criteria provided, conflicting classifications (1 of 4 stars). 5 submissions from 5 submitters: Uncertain significance (2); Likely benign (3). Last evaluated 2024-09-16.

Conditions:
Cornelia de Lange syndrome 1 (CDLS1). Also called: TYPUS DEGENERATIVUS AMSTELODAMENSIS; Brachmann de Lange syndrome; NIPBL-Related Cornelia de Lange Syndrome. Identifiers: Orphanet 199, MedGen C4551851, MONDO:0007387, OMIM 122470.
Inborn genetic diseases. Identifiers: MedGen C0950123, MeSH D030342.

Allele frequency attached by ClinVar (database versions not stated): gnomAD 0.00001; ExAC 0.00005.
gnomAD v4.1: 38 of 1,614,096 alleles (0.0024%); highest among the groups gnomAD compares: Middle Eastern, 0.066%; no homozygotes.

Submissions (5):

Blueprint Genetics
Classification: Likely benign. Last evaluated: 2024-09-16. Review status: criteria provided, single submitter. Criteria: ACMG Guidelines, 2015. Collection method: clinical testing. Allele origin: germline.

Fulgent Genetics
Classification: Uncertain significance for Cornelia de Lange syndrome 1. Last evaluated: 2024-03-27. Review status: criteria provided, single submitter. Criteria: ACMG Guidelines, 2015. Collection method: clinical testing. Allele origin: germline.

CeGaT Center for Human Genetics Tuebingen
Classification: Likely benign. Last evaluated: 2023-11-01. Review status: criteria provided, single submitter. Criteria: CeGaT Center For Human Genetics Tuebingen Variant Classification Criteria Version 2. Collection method: clinical testing. Allele origin: germline. Affected: yes. Observed: 1 variant allele.
Comment: NIPBL: BP4, BS2

Ambry Genetics
Classification: Likely benign for Inborn genetic diseases. Last evaluated: 2023-06-02. Review status: criteria provided, single submitter. Criteria: Ambry Variant Classification Scheme 2023. Collection method: clinical testing. Allele origin: germline.

Labcorp Genetics (formerly Invitae), Labcorp
Classification: Uncertain significance for Cornelia de Lange syndrome 1. Last evaluated: 2022-10-10. Review status: criteria provided, single submitter. Criteria: Invitae Variant Classification Sherloc (09022015). Collection method: clinical testing. Allele origin: germline.
Comment: In summary, the available evidence is currently insufficient to determine the role of this variant in disease. Therefore, it has been classified as a Variant of Uncertain Significance. Advanced modeling of protein sequence and biophysical properties (such as structural, functional, and spatial information, amino acid conservation, physicochemical variation, residue mobility, and thermodynamic stability) performed at Invitae indicates that this missense variant is not expected to disrupt NIPBL protein function. This variant has not been reported in the literature in individuals affected with NIPBL-related conditions. This variant is present in population databases (rs756243240, gnomAD 0.03%). This sequence change replaces asparagine, which is neutral and polar, with aspartic acid, which is acidic and polar, at codon 2488 of the NIPBL protein (p.Asn2488Asp).